The following is an entry in ClinVar:

NM_001005361.3(DNM2):c.5G>A (p.Gly2Asp)

Genes: DNM2 (dynamin 2; plus strand), LOC130063529 (ATAC-STARR-seq lymphoblastoid silent region 10090; plus strand). Cytogenetic location: 19p13.2.
Variant type: single nucleotide variant.
Coding change: c.5G>A on transcript NM_001005361.3 (MANE Select); coding-DNA position 5, G replaced by A.
Protein change: p.Gly2Asp; replaces glycine 2 with aspartic acid.
Molecular consequence: missense variant.
Genome position (GRCh38, 1-based): chr19:10,718,247, G>A. VCF-style: chr19-10718247-G-A. GRCh37 (hg19) VCF-style: chr19-10828923-G-A.
Other names: c.5G>A, p.Gly2Asp (NM_001005360.3, NM_001005362.3, NM_001190716.2 and 1 more transcripts); short protein forms G2D.
Identifiers: ClinVar variation 835727 (VCV000835727.12), dbSNP rs1375606719, ClinGen allele CA404046341.
Genomic context (GRCh38, chr19:10,718,247, plus strand): 5'-GAGGGTCGGCGGCGGGCGAGGAGCGCAGGGCGCTCGGGCCGGGGGCCGCCGGCGCCATGG[G>A]CAACCGCGGGATGGAAGAGCTGATCCCGCTGGTCAACAAACTGCAGGACGCCTTCAGCTC-3'
Protein context (NP_001005361.1, residues 1-12): M[Gly2Asp]NRGMEELIPL

ClinVar aggregate classification (germline): Uncertain significance. Review status: criteria provided, multiple submitters, no conflicts (2 of 4 stars). 3 submissions from 3 submitters: Uncertain significance (3). Last evaluated 2025-08-03.

Conditions:
Charcot-Marie-Tooth disease dominant intermediate B (CMTDIB). Also called: Charcot-Marie-Tooth disease dominant intermediate 1; CMT DI1; Charcot-Marie-Tooth disease dominant intermediate I; CHARCOT-MARIE-TOOTH NEUROPATHY, DOMINANT INTERMEDIATE B. Identifiers: Orphanet 100044, Orphanet 228179, MedGen C1847902, MONDO:0011674, OMIM 606482.
Inborn genetic diseases. Identifiers: MedGen C0950123, MeSH D030342.

Allele frequency attached by ClinVar (database versions not stated): gnomAD 0.00002; gnomAD exomes 0.00002; TOPMed 0.00003.
gnomAD v4.1: 32 of 1,479,778 alleles (0.0022%); highest among the groups gnomAD compares: Non-Finnish European, 0.0028%; no homozygotes.

Submissions (3):

Labcorp Genetics (formerly Invitae), Labcorp
Classification: Uncertain significance for Charcot-Marie-Tooth disease dominant intermediate B. Last evaluated: 2025-08-03. Review status: criteria provided, single submitter. Criteria: Invitae Variant Classification Sherloc (09022015). Collection method: clinical testing. Allele origin: germline.
Comment: This sequence change replaces glycine, which is neutral and non-polar, with aspartic acid, which is acidic and polar, at codon 2 of the DNM2 protein (p.Gly2Asp). This variant is not present in population databases (gnomAD no frequency). This variant has not been reported in the literature in individuals affected with DNM2-related conditions. ClinVar contains an entry for this variant (Variation ID: 835727). Invitae Evidence Modeling of protein sequence and biophysical properties (such as structural, functional, and spatial information, amino acid conservation, physicochemical variation, residue mobility, and thermodynamic stability) has been performed for this missense variant. However, the output from this modeling did not meet the statistical confidence thresholds required to predict the impact of this variant on DNM2 protein function. In summary, the available evidence is currently insufficient to determine the role of this variant in disease. Therefore, it has been classified as a Variant of Uncertain Significance.

GeneDx
Classification: Uncertain significance. Last evaluated: 2023-02-21. Review status: criteria provided, single submitter. Criteria: GeneDx Variant Classification Process June 2021. Collection method: clinical testing. Allele origin: germline. Affected: yes.
Comment: Not observed at significant frequency in large population cohorts (gnomAD); Missense variants in this gene are often considered pathogenic (HGMD); In silico analysis supports that this missense variant has a deleterious effect on protein structure/function; Has not been previously published as pathogenic or benign to our knowledge; This variant is associated with the following publications: (PMID: 16227997)

Ambry Genetics
Classification: Uncertain significance for Inborn genetic diseases. Last evaluated: 2022-03-14. Review status: criteria provided, single submitter. Criteria: Ambry Variant Classification Scheme 2023. Collection method: clinical testing. Allele origin: germline.
Comment: The p.G2D variant (also known as c.5G>A), located in coding exon 1 of the DNM2 gene, results from a G to A substitution at nucleotide position 5. The glycine at codon 2 is replaced by aspartic acid, an amino acid with similar properties. This amino acid position is conserved. In addition, this alteration is predicted to be deleterious by in silico analysis. Since supporting evidence is limited at this time, the clinical significance of this alteration remains unclear.